The following is an entry in ClinVar:

ClinVar aggregate classification (germline): Uncertain significance. Review status: criteria provided, multiple submitters, no conflicts (2 of 4 stars). 2 submissions from 2 submitters: Uncertain significance (2). Last evaluated 2025-08-24.

Conditions:
Emery-Dreifuss muscular dystrophy 5, autosomal dominant (EDMD5). Also called: EMERY-DREIFUSS MUSCULAR DYSTROPHY 5. Identifiers: Orphanet 261, MedGen C2751805, MONDO:0013072, OMIM 612999.

Allele frequency attached by ClinVar (database versions not stated): gnomAD below 0.00001 and 0.00001; TOPMed below 0.00001; ExAC 0.00001; gnomAD exomes 0.00002 and 0.00003.
gnomAD v4.1: 32 of 1,611,904 alleles (0.002%); highest among the groups gnomAD compares: South Asian, 0.032%; no homozygotes.

Submissions (2):

Labcorp Genetics (formerly Invitae), Labcorp
Classification: Uncertain significance for Emery-Dreifuss muscular dystrophy 5, autosomal dominant. Last evaluated: 2025-08-24. Review status: criteria provided, single submitter. Criteria: Invitae Variant Classification Sherloc (09022015). Collection method: clinical testing. Allele origin: germline.
Comment: This sequence change replaces glutamine, which is neutral and polar, with arginine, which is basic and polar, at codon 1265 of the SYNE2 protein (p.Gln1265Arg). This variant is present in population databases (rs759543992, gnomAD 0.02%). This variant has not been reported in the literature in individuals affected with SYNE2-related conditions. ClinVar contains an entry for this variant (Variation ID: 1005166). An algorithm developed to predict the effect of missense changes on protein structure and function outputs the following: PolyPhen-2: "Benign". The arginine amino acid residue is found in multiple mammalian species, which suggests that this missense change does not adversely affect protein function. In summary, the available evidence is currently insufficient to determine the role of this variant in disease. Therefore, it has been classified as a Variant of Uncertain Significance.

Revvity Omics, Revvity
Classification: Uncertain significance for Emery-Dreifuss muscular dystrophy 5, autosomal dominant. Last evaluated: 2023-09-01. Review status: criteria provided, single submitter. Criteria: ACMG Guidelines, 2015. Collection method: clinical testing. Allele origin: germline.

NM_182914.3(SYNE2):c.3794A>G (p.Gln1265Arg)

Gene: SYNE2 (spectrin repeat containing nuclear envelope protein 2; plus strand). Cytogenetic location: 14q23.2.
Variant type: single nucleotide variant.
Coding change: c.3794A>G on transcript NM_182914.3 (MANE Select); coding-DNA position 3794, A replaced by G.
Protein change: p.Gln1265Arg; replaces glutamine 1265 with arginine.
Molecular consequence: missense variant.
Genome position (GRCh38, 1-based): chr14:64,002,727, A>G. VCF-style: chr14-64002727-A-G. GRCh37 (hg19) VCF-style: chr14-64469445-A-G.
Other names: c.3794A>G, p.Gln1265Arg (NM_015180.6); c.3794A>G (NM_182914.2); short protein forms Q1265R.
Identifiers: ClinVar variation 1005166 (VCV001005166.9), dbSNP rs759543992, ClinGen allele CA7220071.